The following is an entry in ClinVar:

ClinVar aggregate classification (germline): Uncertain significance. Review status: criteria provided, multiple submitters, no conflicts (2 of 4 stars). 5 submissions from 5 submitters: Uncertain significance (5). Last evaluated 2025-11-10.

Conditions:
Cardiovascular phenotype. Identifiers: MedGen CN230736.
Arrhythmogenic right ventricular cardiomyopathy (ARVD). Also called: Arrhythmogenic cardiomyopathy; Cardiomyopathy, ARVC; Arrhythmogenic right ventricular dysplasia; Arrhythmogenic Right Ventricular Cardiomyopathy (ARVC). Identifiers: Orphanet 247, MedGen C0349788, MeSH D019571, MONDO:0016587. Disease mechanism: loss of function. Inheritance: Various modes of inheritance.
Cardiomyopathy (CMYO). Also called: Cardiomyopathies. Identifiers: Orphanet 167848, MedGen C0878544, MONDO:0004994, HP:0001638. Inheritance: Various modes of inheritance.
Arrhythmogenic right ventricular dysplasia 9 (ARVD9). Also called: Arrhythmogenic Right Ventricular Dysplasia/Cardiomyopathy 9; ARRHYTHMOGENIC RIGHT VENTRICULAR DYSPLASIA, FAMILIAL, 9. Identifiers: MedGen C1836906, MONDO:0012180, OMIM 609040.

Allele frequency attached by ClinVar (database versions not stated): gnomAD exomes below 0.00001; gnomAD 0.00001; TOPMed 0.00001.
gnomAD v4.1: 6 of 1,614,098 alleles (0.00037%); highest among the groups gnomAD compares: Non-Finnish European, 0.00051%; no homozygotes.

Submissions (5):

Color Diagnostics, LLC DBA Color Health
Classification: Uncertain significance for Cardiomyopathy. Last evaluated: 2025-11-10. Review status: criteria provided, single submitter. Criteria: ACMG Guidelines, 2015. Collection method: clinical testing. Allele origin: germline.
Comment: This missense variant replaces aspartic acid with histidine at codon 311 of the PKP2 protein. Computational prediction suggests that this variant may not impact protein structure and function. To our knowledge, functional studies have not been reported for this variant. This variant has not been reported in individuals affected with PKP2-related disorders in the literature. This variant has been identified in 6/1614098 chromosomes in the general population by the Genome Aggregation Database (gnomAD). The available evidence is insufficient to determine the role of this variant in disease conclusively. Therefore, this variant is classified as a Variant of Uncertain Significance.

Ambry Genetics
Classification: Uncertain significance for Cardiovascular phenotype. Last evaluated: 2024-09-30. Review status: criteria provided, single submitter. Criteria: Ambry Variant Classification Scheme 2023. Collection method: clinical testing. Allele origin: germline.
Comment: The p.D311H variant (also known as c.931G>C), located in coding exon 3 of the PKP2 gene, results from a G to C substitution at nucleotide position 931. The aspartic acid at codon 311 is replaced by histidine, an amino acid with similar properties. This amino acid position is conserved. In addition, this alteration is predicted to be tolerated by in silico analysis. Based on the available evidence, the clinical significance of this variant remains unclear.

GeneDx
Classification: Uncertain significance. Last evaluated: 2024-06-25. Review status: criteria provided, single submitter. Criteria: GeneDx Variant Classification Process June 2021. Collection method: clinical testing. Allele origin: germline. Affected: yes.
Comment: Not observed at significant frequency in large population cohorts (gnomAD); In silico analysis indicates that this missense variant does not alter protein structure/function; Has not been previously published as pathogenic or benign to our knowledge

All of Us Research Program, National Institutes of Health
Classification: Uncertain significance for Arrhythmogenic right ventricular cardiomyopathy. Last evaluated: 2023-09-17. Review status: criteria provided, single submitter. Criteria: ACMG Guidelines, 2015. Collection method: clinical testing. Allele origin: germline. Inheritance: Autosomal dominant inheritance. Observed: 1 variant allele, 1 heterozygote.
Comment: This missense variant replaces aspartic acid with histidine at codon 311 of the PKP2 protein. Computational prediction suggests that this variant may not impact protein structure and function (internally defined REVEL score threshold <= 0.5, PMID: 27666373). Splice site prediction tools suggest that this variant may not impact RNA splicing. To our knowledge, functional studies have not been performed for this variant. This variant has not been reported in individuals affected with cardiovascular disorders in the literature. This variant has not been identified in the general population by the Genome Aggregation Database (gnomAD). The available evidence is insufficient to determine the role of this variant in disease conclusively. Therefore, this variant is classified as a Variant of Uncertain Significance.

This study involves interpretation of variants in research participants for the purpose of population health screening. Participant phenotype was not available at the time of variant classification. Additional details can be found in publication PMID: 35346344, PMCID: PMC8962531

Labcorp Genetics (formerly Invitae), Labcorp
Classification: Uncertain significance for Arrhythmogenic right ventricular dysplasia 9. Last evaluated: 2023-05-06. Review status: criteria provided, single submitter. Criteria: Invitae Variant Classification Sherloc (09022015). Collection method: clinical testing. Allele origin: germline.
Comment: In summary, the available evidence is currently insufficient to determine the role of this variant in disease. Therefore, it has been classified as a Variant of Uncertain Significance. An algorithm developed to predict the effect of missense changes on protein structure and function (PolyPhen-2) suggests that this variant is likely to be disruptive. ClinVar contains an entry for this variant (Variation ID: 919085). This variant has not been reported in the literature in individuals affected with PKP2-related conditions. This variant is not present in population databases (gnomAD no frequency). This sequence change replaces aspartic acid, which is acidic and polar, with histidine, which is basic and polar, at codon 311 of the PKP2 protein (p.Asp311His).

NM_001005242.3(PKP2):c.931G>C (p.Asp311His)

Gene: PKP2 (plakophilin 2; minus strand). Cytogenetic location: 12p11.21.
Variant type: single nucleotide variant.
Coding change: c.931G>C on transcript NM_001005242.3 (MANE Select); coding-DNA position 931, G replaced by C.
Protein change: p.Asp311His; replaces aspartic acid 311 with histidine.
Molecular consequence: missense variant.
Genome position (GRCh38, 1-based): chr12:32,877,949, C>G on the plus strand (G>C on the coding strand, the complement: PKP2 is on the minus strand). VCF-style: chr12-32877949-C-G. GRCh37 (hg19) VCF-style: chr12-33030883-C-G.
Other names: c.931G>C, p.Asp311His (NM_004572.4); short protein forms D311H.
Identifiers: ClinVar variation 919085 (VCV000919085.11), dbSNP rs1956947554, ClinGen allele CA384362004.